The following is an entry in ClinVar:

NM_006767.4(LZTR1):c.1456G>T (p.Glu486Ter)

Gene: LZTR1 (leucine zipper like post translational regulator 1; plus strand). Cytogenetic location: 22q11.21.
Variant type: single nucleotide variant.
Coding change: c.1456G>T on transcript NM_006767.4 (MANE Select); coding-DNA position 1456, G replaced by T.
Protein change: p.Glu486Ter; replaces glutamic acid 486 with a stop codon.
Molecular consequence: nonsense.
Genome position (GRCh38, 1-based): chr22:20,994,110, G>T. VCF-style: chr22-20994110-G-T. GRCh37 (hg19) VCF-style: chr22-21348399-G-T.
Other names: short protein forms E486*.
Identifiers: ClinVar variation 3632230 (VCV003632230.2).
Genomic context (GRCh38, chr22:20,994,110, plus strand): 5'-GGCAGCCATGCCTGGTGTCCACTGGGGTGTCCTTGAGCTCCCTTCTCCCCACAGAAGCTG[G>T]AGCAGGAGGCCGCCCCAGTTCCCAGGGAGGCCCCCGGCGTGGCTGCTGGTGGGGCCCGGC-3'

ClinVar aggregate classification (germline): Pathogenic (1 of 4 stars; one submission).

gnomAD v4.1: 2 of 1,579,574 alleles (0.00013%); highest among the groups gnomAD compares: Non-Finnish European, 0.000086%; no homozygotes.

Submission:

Labcorp Genetics (formerly Invitae), Labcorp
Classification: Pathogenic. Last evaluated: 2025-06-30. Review status: criteria provided, single submitter. Criteria: Invitae Variant Classification Sherloc (09022015). Collection method: clinical testing. Allele origin: germline.
Comment: This sequence change creates a premature translational stop signal (p.Glu486*) in the LZTR1 gene. It is expected to result in an absent or disrupted protein product. Loss-of-function variants in LZTR1 are known to be pathogenic (PMID: 24362817, 25335493, 25480913, 25795793, 29469822, 30368668, 30442762, 30442766, 30481304, 30859559). This variant is not present in population databases (gnomAD no frequency). This variant has not been reported in the literature in individuals affected with LZTR1-related conditions. ClinVar contains an entry for this variant (Variation ID: 3632230). For these reasons, this variant has been classified as Pathogenic.

Literature cited by the submitters: PubMed 24362817; PubMed 25335493; PubMed 25480913; PubMed 25795793; PubMed 29469822; PubMed 30368668; PubMed 30442762; PubMed 30442766; PubMed 30481304; PubMed 30859559.